The following is an entry in ClinVar:

NM_000535.7(PMS2):c.18C>T (p.Ser6=)

Gene: PMS2 (PMS1 homolog 2, mismatch repair system component; minus strand). Cytogenetic location: 7p22.1.
Variant type: single nucleotide variant.
Coding change: c.18C>T on transcript NM_000535.7 (MANE Select); coding-DNA position 18, C replaced by T.
Protein change: p.Ser6=; no amino-acid change (serine 6 retained).
Molecular consequence: synonymous variant. On other transcripts: 5 prime UTR variant (45), non-coding transcript variant (1).
Genome position (GRCh38, 1-based): chr7:6,009,002, G>A on the plus strand (C>T on the coding strand, the complement: PMS2 is on the minus strand). VCF-style: chr7-6009002-G-A. GRCh37 (hg19) VCF-style: chr7-6048633-G-A.
Other names: c.-383C>T (NM_001018040.1, NM_001322003.2, NM_001322013.2 and 5 more transcripts); c.-248C>T (NM_001322004.2, NM_001322010.2, NM_001406911.1); c.-578C>T (NM_001322005.2); c.18C>T, p.Ser6= (NM_001322006.2, NM_001322014.2, NM_001406866.1 and 11 more transcripts); c.-198C>T (NM_001322007.2, NM_001406876.1, NM_001406896.1 and 2 more transcripts); c.-58C>T (NM_001322008.2); c.-573C>T (NM_001322009.2, NM_001406897.1); c.-867C>T (NM_001322011.2); and 19 more.
Identifiers: ClinVar variation 2778826 (VCV002778826.4), dbSNP rs1221290124, ClinGen allele CA453650891.

ClinVar aggregate classification (germline): Benign/Likely benign. Review status: criteria provided, multiple submitters, no conflicts (2 of 4 stars). 2 submissions from 2 submitters: Benign (1); Likely benign (1). Last evaluated 2025-01-23.

Conditions:
Hereditary nonpolyposis colorectal neoplasms. Identifiers: MedGen C0009405, MeSH D003123.
Lynch syndrome 4 (LYNCH4). Also called: Hereditary non-polyposis colorectal cancer, type 4; Colorectal cancer, hereditary nonpolyposis, type 4. Identifiers: Orphanet 144, MedGen C1838333, MONDO:0013699, OMIM 614337. Disease mechanism: loss of function.

Allele frequency attached by ClinVar (database versions not stated): TOPMed below 0.00001.

Submissions (2):

Myriad Genetics, Inc.
Classification: Benign for Lynch syndrome 4. Last evaluated: 2025-01-23. Review status: criteria provided, single submitter. Criteria: Myriad Autosomal Dominant, Autosomal Recessive and X-Linked Classification Criteria (2023). Collection method: clinical testing. Allele origin: unknown.
Comment: This variant is considered benign. This variant is a silent/synonymous amino acid change and it is not expected to impact splicing.

Labcorp Genetics (formerly Invitae), Labcorp
Classification: Likely benign for Hereditary nonpolyposis colorectal neoplasms. Last evaluated: 2023-02-25. Review status: criteria provided, single submitter. Criteria: Invitae Variant Classification Sherloc (09022015). Collection method: clinical testing. Allele origin: germline.